The following is an entry in ClinVar:

ClinVar aggregate classification (germline): Uncertain significance (1 of 4 stars; one submission).

Submission:

GeneDx
Classification: Uncertain significance. Last evaluated: 2024-09-04. Review status: criteria provided, single submitter. Criteria: GeneDx Variant Classification Process June 2021. Collection method: clinical testing. Allele origin: germline. Affected: yes.
Comment: Not observed at significant frequency in large population cohorts (gnomAD); In silico analysis supports that this missense variant has a deleterious effect on protein structure/function; Has not been previously published as pathogenic or benign to our knowledge

NM_031475.3(ESPN):c.281G>T (p.Gly94Val)

Gene: ESPN (espin; plus strand). Cytogenetic location: 1p36.31.
Variant type: single nucleotide variant.
Coding change: c.281G>T on transcript NM_031475.3 (MANE Select); coding-DNA position 281, G replaced by T.
Protein change: p.Gly94Val; replaces glycine 94 with valine.
Molecular consequence: missense variant.
Genome position (GRCh38, 1-based): chr1:6,425,236, G>T. VCF-style: chr1-6425236-G-T. GRCh37 (hg19) VCF-style: chr1-6485296-G-T.
Other names: c.281G>T, p.Gly94Val (NM_001367473.1, NM_001367474.1); short protein forms G94V.
Identifiers: ClinVar variation 3767688 (VCV003767688.1).